The following is an entry in ClinVar:

ClinVar aggregate classification (germline): Uncertain significance (1 of 4 stars; one submission).

Allele frequency attached by ClinVar (database versions not stated): gnomAD 0.00001; ExAC 0.00002; TOPMed 0.00002; ESP Exome Variant Server 0.00008.
gnomAD v4.1: 12 of 1,612,786 alleles (0.00074%); highest among the groups gnomAD compares: South Asian, 0.0033%; no homozygotes.

Submission:

Labcorp Genetics (formerly Invitae), Labcorp
Classification: Uncertain significance. Last evaluated: 2022-03-05. Review status: criteria provided, single submitter. Criteria: Invitae Variant Classification Sherloc (09022015). Collection method: clinical testing. Allele origin: germline.
Comment: Algorithms developed to predict the effect of missense changes on protein structure and function (SIFT, PolyPhen-2, Align-GVGD) all suggest that this variant is likely to be disruptive. In summary, the available evidence is currently insufficient to determine the role of this variant in disease. Therefore, it has been classified as a Variant of Uncertain Significance. This variant has not been reported in the literature in individuals affected with KIF23-related conditions. This variant is present in population databases (rs372578227, gnomAD 0.003%). This sequence change replaces alanine, which is neutral and non-polar, with valine, which is neutral and non-polar, at codon 430 of the KIF23 protein (p.Ala430Val).

NM_001367805.3(KIF23):c.1331C>T (p.Ala444Val)

Gene: KIF23 (kinesin family member 23; plus strand). Cytogenetic location: 15q23.
Variant type: single nucleotide variant.
Coding change: c.1331C>T on transcript NM_001367805.3 (MANE Select); coding-DNA position 1331, C replaced by T.
Protein change: p.Ala444Val; replaces alanine 444 with valine.
Molecular consequence: missense variant. On other transcripts: non-coding transcript variant (2).
Genome position (GRCh38, 1-based): chr15:69,436,154, C>T. VCF-style: chr15-69436154-C-T. GRCh37 (hg19) VCF-style: chr15-69728493-C-T.
Other names: c.959C>T, p.Ala320Val (NM_001281301.2); c.1289C>T, p.Ala430Val (NM_001367804.2, NM_004856.7, NM_138555.4); short protein forms A444V, A430V, A320V.
Identifiers: ClinVar variation 2143643 (VCV002143643.4), dbSNP rs372578227, ClinGen allele CA7635155.